The following is an entry in ClinVar:

NM_001854.4(COL11A1):c.2216G>A (p.Gly739Asp)

Gene: COL11A1 (collagen type XI alpha 1 chain; minus strand). Cytogenetic location: 1p21.1.
Variant type: single nucleotide variant.
Coding change: c.2216G>A on transcript NM_001854.4 (MANE Select); coding-DNA position 2216, G replaced by A.
Protein change: p.Gly739Asp; replaces glycine 739 with aspartic acid.
Molecular consequence: missense variant. On other transcripts: non-coding transcript variant (1).
Genome position (GRCh38, 1-based): chr1:102,997,105, C>T on the plus strand (G>A on the coding strand, the complement: COL11A1 is on the minus strand). VCF-style: chr1-102997105-C-T. GRCh37 (hg19) VCF-style: chr1-103462661-C-T.
Other names: c.2099G>A, p.Gly700Asp (NM_001190709.2); c.2252G>A, p.Gly751Asp (NM_080629.3); c.1868G>A, p.Gly623Asp (NM_080630.4); short protein forms G623D, G700D, G739D, G751D.
Identifiers: ClinVar variation 1412743 (VCV001412743.6), dbSNP rs2101800928, ClinGen allele CA341169454.

ClinVar aggregate classification (germline): Uncertain significance (1 of 4 stars; one submission).

Submission:

Labcorp Genetics (formerly Invitae), Labcorp
Classification: Uncertain significance. Last evaluated: 2021-11-09. Review status: criteria provided, single submitter. Criteria: Invitae Variant Classification Sherloc (09022015). Collection method: clinical testing. Allele origin: germline.
Comment: In summary, the available evidence is currently insufficient to determine the role of this variant in disease. Therefore, it has been classified as a Variant of Uncertain Significance. Advanced modeling of protein sequence and biophysical properties (such as structural, functional, and spatial information, amino acid conservation, physicochemical variation, residue mobility, and thermodynamic stability) performed at Invitae indicates that this missense variant is expected to disrupt COL11A1 protein function. This variant has not been reported in the literature in individuals affected with COL11A1-related conditions. This variant is not present in population databases (gnomAD no frequency). This sequence change replaces glycine, which is neutral and non-polar, with aspartic acid, which is acidic and polar, at codon 739 of the COL11A1 protein (p.Gly739Asp).